The following is an entry in ClinVar:

ClinVar aggregate classification (germline): Likely pathogenic (1 of 4 stars; one submission).

Submission:

Labcorp Genetics (formerly Invitae), Labcorp
Classification: Likely pathogenic. Last evaluated: 2022-06-27. Review status: criteria provided, single submitter. Criteria: Invitae Variant Classification Sherloc (09022015). Collection method: clinical testing. Allele origin: germline.
Comment: In summary, the currently available evidence indicates that the variant is pathogenic, but additional data are needed to prove that conclusively. Therefore, this variant has been classified as Likely Pathogenic. Algorithms developed to predict the effect of sequence changes on RNA splicing suggest that this variant may disrupt the consensus splice site. This variant has not been reported in the literature in individuals affected with ERCC8-related conditions. This variant is not present in population databases (gnomAD no frequency). This sequence change affects a splice site in intron 6 of the ERCC8 gene. It is expected to disrupt RNA splicing. Variants that disrupt the donor or acceptor splice site typically lead to a loss of protein function (PMID: 16199547), and loss-of-function variants in ERCC8 are known to be pathogenic (PMID: 29572252).

Literature cited by the submitters: PubMed 16199547; PubMed 29572252.

NM_000082.4(ERCC8):c.550+1_550+2del

Gene: ERCC8 (ERCC excision repair 8, CSA ubiquitin ligase complex subunit; minus strand). Cytogenetic location: 5q12.1.
Variant type: Deletion.
Coding change: c.550+1_550+2del on transcript NM_000082.4 (MANE Select); the canonical splice donor site of the intron after coding-DNA position 550, 2 bases deleted (GT; older notation c.550+1_550+2delGT).
Molecular consequence: splice donor variant. On other transcripts: frameshift variant (1).
Genome position (GRCh38, 1-based): chr5:60,903,646-60,903,647, AC deleted on the plus strand (GT on the coding strand, the reverse complement: ERCC8 is on the minus strand). VCF-style (leftmost placement, unchanged base first): chr5-60903645-TAC-T. GRCh37 (hg19) VCF-style: chr5-60199472-TAC-T.
Other names: c.551_552del, p.Gly184fs (NM_001007234.3); c.91+1_91+2del (NM_001290285.2); c.376+1_376+2del (NM_001007233.3); short protein forms G184fs.
Identifiers: ClinVar variation 2011622 (VCV002011622.4), dbSNP rs2531798348, ClinGen allele CA2580073351.